The following is an entry in ClinVar:

NM_000038.6(APC):c.2554T>A (p.Leu852Met)

Gene: APC (APC regulator of Wnt signaling pathway; plus strand). Cytogenetic location: 5q22.2.
Variant type: single nucleotide variant.
Coding change: c.2554T>A on transcript NM_000038.6 (MANE Select); coding-DNA position 2554, T replaced by A.
Protein change: p.Leu852Met; replaces leucine 852 with methionine.
Molecular consequence: missense variant. On other transcripts: non-coding transcript variant (2).
Genome position (GRCh38, 1-based): chr5:112,838,148, T>A. VCF-style: chr5-112838148-T-A. GRCh37 (hg19) VCF-style: chr5-112173845-T-A.
Other names: c.2554T>A, p.Leu852Met (NM_001407450.1, NM_001127510.3, NM_001354895.2); c.2533T>A, p.Leu845Met (NM_001407451.1); c.2524T>A, p.Leu842Met (NM_001407452.1); c.2377T>A, p.Leu793Met (NM_001407453.1, NM_001354901.2); c.2305T>A, p.Leu769Met (NM_001407454.1, NM_001407456.1, NM_001407457.1 and 1 more transcripts); c.2251T>A, p.Leu751Met (NM_001407458.1, NM_001354903.2, NM_001407459.1 and 1 more transcripts); c.2500T>A, p.Leu834Met (NM_001127511.3); c.2608T>A, p.Leu870Met (NM_001354896.2, NM_001407447.1, NM_001407448.1 and 1 more transcripts); and 11 more; short protein forms L692M, L769M, L842M, L468M, L761M, L824M, L827M, L834M.
Identifiers: ClinVar variation 3882054 (VCV003882054.1).
Genomic context (GRCh38, chr5:112,838,148, plus strand): 5'-CCCAGCTCCTCTTCATCAAGAGGAAGCTTAGATAGTTCTCGTTCTGAAAAAGATAGAAGT[T>A]TGGAGAGAGAACGCGGAATTGGTCTAGGCAACTACCATCCAGCAACAGAAAATCCAGGAA-3'
Protein context (NP_000029.2, residues 842-862): DSSRSEKDRS[Leu852Met]ERERGIGLGN

ClinVar aggregate classification (germline): Uncertain significance (1 of 4 stars; one submission).

Conditions:
Hereditary cancer-predisposing syndrome. Also called: Tumor predisposition; Neoplastic Syndromes, Hereditary; Hereditary Cancer Syndrome; Hereditary neoplastic syndrome. Identifiers: Orphanet 140162, MedGen C0027672, MeSH D009386, MONDO:0015356.

Submission:

Ambry Genetics
Classification: Uncertain significance for Hereditary cancer-predisposing syndrome. Last evaluated: 2025-01-27. Review status: criteria provided, single submitter. Criteria: Ambry Variant Classification Scheme 2023. Collection method: clinical testing. Allele origin: germline.
Comment: The p.L852M variant (also known as c.2554T>A), located in coding exon 15 of the APC gene, results from a T to A substitution at nucleotide position 2554. The leucine at codon 852 is replaced by methionine, an amino acid with highly similar properties. This amino acid position is conserved. In addition, in silico predictors for this gene do not accurately predict pathogenicity. Based on the available evidence, the clinical significance of this variant remains unclear.